The following is an entry in ClinVar:

ClinVar aggregate classification (germline): Uncertain significance (0 of 4 stars; one submission).

Allele frequency attached by ClinVar (database versions not stated): gnomAD 0.00003; ExAC 0.00003; gnomAD exomes 0.00003; TOPMed 0.00004.
gnomAD v4.1: 175 of 1,613,914 alleles (0.011%); highest among the groups gnomAD compares: Non-Finnish European, 0.014%; no homozygotes.

Submission:

Martin Pollak Laboratory,  Beth Israel Deaconess Medical Center
Classification: Uncertain significance. Review status: no assertion criteria provided. Collection method: not provided. Allele origin: unknown.
Comment: Lower UCa2+ group
ClinVar note: Converted during submission from unknown to Uncertain significance.

NM_006984.5(CLDN10):c.420C>A (p.Asn140Lys)

Gene: CLDN10 (claudin 10; plus strand). Cytogenetic location: 13q32.1.
Variant type: single nucleotide variant.
Coding change: c.420C>A on transcript NM_006984.5 (MANE Select); coding-DNA position 420, C replaced by A.
Protein change: p.Asn140Lys; replaces asparagine 140 with lysine.
Molecular consequence: missense variant.
Genome position (GRCh38, 1-based): chr13:95,560,419, C>A. VCF-style: chr13-95560419-C-A. GRCh37 (hg19) VCF-style: chr13-96212673-C-A.
Other names: c.357C>A, p.Asn119Lys (NM_001160100.2); c.414C>A, p.Asn138Lys (NM_182848.4); short protein forms N119K, N138K, N140K.
Identifiers: ClinVar variation 64491 (VCV000064491.2), dbSNP rs387907413, ClinGen allele CA216260.